The following is an entry in ClinVar:

ClinVar aggregate classification (germline): Uncertain significance. Review status: criteria provided, multiple submitters, no conflicts (2 of 4 stars). 2 submissions from 2 submitters: Uncertain significance (2). Last evaluated 2026-06-26.

Conditions:
Mosaic variegated aneuploidy syndrome 1 (MVA1). Also called: Warburton-Anyane-Yeboa syndrome. Identifiers: Orphanet 1052, MedGen C1850343, MONDO:0009759, OMIM 257300.
Inborn genetic diseases. Identifiers: MedGen C0950123, MeSH D030342.

Submissions (2):

Ambry Genetics
Classification: Uncertain significance for Inborn genetic diseases. Last evaluated: 2026-06-26. Review status: criteria provided, single submitter. Criteria: Ambry Variant Classification Scheme 2023. Collection method: clinical testing. Allele origin: germline.
Comment: The p.A282T variant (also known as c.844G>A), located in coding exon 7 of the BUB1B gene, results from a G to A substitution at nucleotide position 844. The alanine at codon 282 is replaced by threonine, an amino acid with similar properties. This amino acid position is conserved. In addition, this alteration is predicted to be tolerated by in silico analysis. Based on the available evidence, the clinical significance of this variant remains unclear.

Molecular Pathology, Peter Maccallum Cancer Centre
Classification: Uncertain significance for Mosaic variegated aneuploidy syndrome 1. Last evaluated: 2024-08-08. Review status: criteria provided, single submitter. Criteria: ACMG Guidelines, 2015. Collection method: clinical testing. Allele origin: germline. Inheritance: Autosomal recessive inheritance.

NM_001211.6(BUB1B):c.844G>A (p.Ala282Thr)

Gene: BUB1B (BUB1 mitotic checkpoint serine/threonine kinase B; plus strand). Cytogenetic location: 15q15.1.
Variant type: single nucleotide variant.
Coding change: c.844G>A on transcript NM_001211.6 (MANE Select); coding-DNA position 844, G replaced by A.
Protein change: p.Ala282Thr; replaces alanine 282 with threonine.
Molecular consequence: missense variant.
Genome position (GRCh38, 1-based): chr15:40,185,257, G>A. VCF-style: chr15-40185257-G-A. GRCh37 (hg19) VCF-style: chr15-40477458-G-A.
Other names: short protein forms A282T.
Identifiers: ClinVar variation 4056156 (VCV004056156.2).